The following is an entry in ClinVar:

ClinVar aggregate classification (germline): Pathogenic (1 of 4 stars; one submission).

Conditions:
Hereditary cancer-predisposing syndrome. Also called: Hereditary Cancer Syndrome; Neoplastic Syndromes, Hereditary; Tumor predisposition; Hereditary neoplastic syndrome. Identifiers: Orphanet 140162, MedGen C0027672, MeSH D009386, MONDO:0015356.

Submission:

Ambry Genetics
Classification: Pathogenic for Hereditary cancer-predisposing syndrome. Last evaluated: 2021-11-02. Review status: criteria provided, single submitter. Criteria: Ambry Variant Classification Scheme 2023. Collection method: clinical testing. Allele origin: germline.
Comment: The p.E181* pathogenic mutation (also known as c.541G>T), located in coding exon 3 of the MSH6 gene, results from a G to T substitution at nucleotide position 541. This changes the amino acid from a glutamic acid to a stop codon within coding exon 3. This alteration is expected to result in loss of function by premature protein truncation or nonsense-mediated mRNA decay. As such, this alteration is interpreted as a disease-causing mutation.

NM_000179.3(MSH6):c.541G>T (p.Glu181Ter)

Gene: MSH6 (mutS homolog 6; plus strand). Cytogenetic location: 2p16.3.
Variant type: single nucleotide variant.
Coding change: c.541G>T on transcript NM_000179.3 (MANE Select); coding-DNA position 541, G replaced by T.
Protein change: p.Glu181Ter; replaces glutamic acid 181 with a stop codon.
Molecular consequence: nonsense. On other transcripts: 5 prime UTR variant (1), intron variant (2).
Genome position (GRCh38, 1-based): chr2:47,795,977, G>T. VCF-style: chr2-47795977-G-T. GRCh37 (hg19) VCF-style: chr2-48023116-G-T.
Other names: c.-362G>T (NM_001281494.2); c.637G>T, p.Glu213Ter (NM_001406795.1, NM_001406802.1); c.541G>T, p.Glu181Ter (NM_001406796.1, NM_001406798.1, NM_001406800.1 and 5 more transcripts); c.244G>T, p.Glu82Ter (NM_001406797.1, NM_001406801.1, NM_001406805.1 and 10 more transcripts); c.16G>T, p.Glu6Ter (NM_001406799.1, NM_001406806.1, NM_001406807.1); c.463G>T, p.Glu155Ter (NM_001406804.1); c.547G>T, p.Glu183Ter (NM_001406813.1); c.-454G>T (NM_001406814.1); and 3 more; short protein forms E213*, E82*, E155*, E183*, E6*, E125*, E181*.
Identifiers: ClinVar variation 1747439 (VCV001747439.2), dbSNP rs569728764, ClinGen allele CA346738724.
Genomic context (GRCh38, chr2:47,795,977, plus strand): 5'-AAGGGAGGTCATTTTTACAGTGCAAAGCCTGAAATACTGAGAGCAATGCAACGTGCAGAT[G>T]AAGCCTTAAATAAAGACAAGATTAAGAGGCTTGAATTGGCAGTTTGTGATGAGCCCTCAG-3'